The following is an entry in ClinVar:

NM_001267550.2(TTN):c.78176T>C (p.Ile26059Thr)

Genes: TTN (titin; minus strand), TTN-AS1 (TTN antisense RNA 1; plus strand). Cytogenetic location: 2q31.2.
Variant type: single nucleotide variant.
Coding change: c.78176T>C on transcript NM_001267550.2 (MANE Select); coding-DNA position 78176, T replaced by C.
Protein change: p.Ile26059Thr; replaces isoleucine 26059 with threonine.
Molecular consequence: missense variant.
Genome position (GRCh38, 1-based): chr2:178,567,956, A>G on the plus strand (T>C on the coding strand, the complement: TTN is on the minus strand). VCF-style: chr2-178567956-A-G. GRCh37 (hg19) VCF-style: chr2-179432683-A-G.
Other names: c.73253T>C, p.Ile24418Thr (NM_001256850.1); c.50981T>C, p.Ile16994Thr (NM_003319.4); c.70472T>C, p.Ile23491Thr (NM_133378.4); c.51356T>C, p.Ile17119Thr (NM_133432.3); c.51557T>C, p.Ile17186Thr (NM_133437.4); short protein forms I16994T, I17119T, I17186T, I23491T, I24418T, I26059T.
Identifiers: ClinVar variation 3774745 (VCV003774745.1).
Genomic context (GRCh38, chr2:178,567,956, plus strand): 5'-TTCTTGCTTGCTTTGCCTACACCAACAATATTTTCAGCATACACTCTGAATTCATATTCA[A>G]TGCCTTCTTCAAGATTCTGTGCTTTGAATTGGGTGTCATGAATAATAGTTTTGTTGACCT-3'
Protein context (NP_001254479.2, residues 26049-26069): QFKAQNLEEG[Ile26059Thr]EYEFRVYAEN

ClinVar aggregate classification (germline): Uncertain significance (1 of 4 stars; one submission).

gnomAD v4.1: 10 of 1,613,458 alleles (0.00062%); highest among the groups gnomAD compares: Middle Eastern, 0.016%; no homozygotes.

Submission:

GeneDx
Classification: Uncertain significance. Last evaluated: 2024-09-30. Review status: criteria provided, single submitter. Criteria: GeneDx Variant Classification Process June 2021. Collection method: clinical testing. Allele origin: germline. Affected: yes.
Comment: Not observed at significant frequency in large population cohorts (gnomAD); Missense variant in a gene in which most reported pathogenic variants are truncating/loss of function; Has not been previously published as pathogenic or benign to our knowledge; This variant is associated with the following publications: (PMID: 23975875)